The following is an entry in ClinVar:

ClinVar aggregate classification (germline): Uncertain significance. Review status: criteria provided, multiple submitters, no conflicts (2 of 4 stars). 2 submissions from 2 submitters: Uncertain significance (2). Last evaluated 2025-04-17.

Conditions:
Inborn genetic diseases. Identifiers: MedGen C0950123, MeSH D030342.
Aicardi-Goutieres syndrome 5. Identifiers: Orphanet 51, MedGen C2749659, MONDO:0013059, OMIM 612952.

gnomAD v4.1: 1 of 1,613,572 alleles (0.000062%); highest among the groups gnomAD compares: East Asian, 0.0022%; no homozygotes.

Submissions (2):

Labcorp Genetics (formerly Invitae), Labcorp
Classification: Uncertain significance for Aicardi-Goutieres syndrome 5. Last evaluated: 2025-04-17. Review status: criteria provided, single submitter. Criteria: Invitae Variant Classification Sherloc (09022015). Collection method: clinical testing. Allele origin: germline.
Comment: This sequence change replaces arginine, which is basic and polar, with leucine, which is neutral and non-polar, at codon 106 of the SAMHD1 protein (p.Arg106Leu). This variant is present in population databases (rs753821325, gnomAD 0.02%). This variant has not been reported in the literature in individuals affected with SAMHD1-related conditions. ClinVar contains an entry for this variant (Variation ID: 2520758). Invitae Evidence Modeling of protein sequence and biophysical properties (such as structural, functional, and spatial information, amino acid conservation, physicochemical variation, residue mobility, and thermodynamic stability) indicates that this missense variant is not expected to disrupt SAMHD1 protein function with a negative predictive value of 95%. In summary, the available evidence is currently insufficient to determine the role of this variant in disease. Therefore, it has been classified as a Variant of Uncertain Significance.

Ambry Genetics
Classification: Uncertain significance for Inborn genetic diseases. Last evaluated: 2023-04-17. Review status: criteria provided, single submitter. Criteria: Ambry Variant Classification Scheme 2023. Collection method: clinical testing. Allele origin: germline.

NM_015474.4(SAMHD1):c.317G>T (p.Arg106Leu)

Gene: SAMHD1 (SAM and HD domain containing deoxynucleoside triphosphate triphosphohydrolase 1; minus strand). Cytogenetic location: 20q11.23.
Variant type: single nucleotide variant.
Coding change: c.317G>T on transcript NM_015474.4 (MANE Select); coding-DNA position 317, G replaced by T.
Protein change: p.Arg106Leu; replaces arginine 106 with leucine.
Molecular consequence: missense variant.
Genome position (GRCh38, 1-based): chr20:36,941,070, C>A on the plus strand (G>T on the coding strand, the complement: SAMHD1 is on the minus strand). VCF-style: chr20-36941070-C-A. GRCh37 (hg19) VCF-style: chr20-35569473-C-A.
Other names: c.317G>T, p.Arg106Leu (NM_001363729.2, NM_001363733.2); short protein forms R106L.
Identifiers: ClinVar variation 2520758 (VCV002520758.3), dbSNP rs753821325, ClinGen allele CA9844766.